The following is an entry in ClinVar:

NM_001365896.1(NACA):c.2823A>C (p.Thr941=)

Gene: NACA (nascent polypeptide associated complex subunit alpha; minus strand). Cytogenetic location: 12q13.3.
Variant type: single nucleotide variant.
Coding change: c.2823A>C on transcript NM_001365896.1 (MANE Select); coding-DNA position 2823, A replaced by C.
Protein change: p.Thr941=; no amino-acid change (threonine 941 retained).
Molecular consequence: synonymous variant. On other transcripts: intron variant (6).
Genome position (GRCh38, 1-based): chr12:56,718,707, T>G on the plus strand (A>C on the coding strand, the complement: NACA is on the minus strand). VCF-style: chr12-56718707-T-G. GRCh37 (hg19) VCF-style: chr12-57112491-T-G.
Other names: c.71-4020A>C (NM_001113202.2, NM_001320194.2, NM_001320193.2 and 2 more transcripts); c.1864+830A>C (NM_001113203.3).
Identifiers: ClinVar variation 3388600 (VCV003388600.14).
Genomic context (GRCh38, chr12:56,718,707, plus strand): 5'-CCATTTCGGGGATGGGGTAGCTGGGCCTCCTTTAGGGGAGGGAGGAGTTGCAGCTGGGGG[T>G]GTGGGGGCCCCTTTGGGGGATGGGGAAGCTGGGATTCCTTTAGGGGCTGGAGTTGCTCGG-3'
Protein context (NP_001352825.1, residues 931-951): PASPSPKGAP[Thr941=]PPAATPPSPK

ClinVar aggregate classification (germline): Likely benign (1 of 4 stars; one submission).

Submission:

CeGaT Center for Human Genetics Tuebingen
Classification: Likely benign. Last evaluated: 2024-11-01. Review status: criteria provided, single submitter. Criteria: CeGaT Center For Human Genetics Tuebingen Variant Classification Criteria Version 2. Collection method: clinical testing. Allele origin: germline. Affected: yes. Observed: 1 variant allele.
Comment: NACA: BP4, BP7